The following is an entry in ClinVar:

NM_001256071.3(RNF213):c.9534G>A (p.Thr3178=)

Gene: RNF213 (ring finger protein 213; plus strand). Cytogenetic location: 17q25.3.
Variant type: single nucleotide variant.
Coding change: c.9534G>A on transcript NM_001256071.3 (MANE Select); coding-DNA position 9534, G replaced by A.
Protein change: p.Thr3178=; no amino-acid change (threonine 3178 retained).
Molecular consequence: synonymous variant.
Genome position (GRCh38, 1-based): chr17:80,347,869, G>A. VCF-style: chr17-80347869-G-A. GRCh37 (hg19) VCF-style: chr17-78321669-G-A.
Identifiers: ClinVar variation 713656 (VCV000713656.8), dbSNP rs117159774, ClinGen allele CA8821142.
Genomic context (GRCh38, chr17:80,347,869, plus strand): 5'-CAAACACTTTCCCATCCCCCTCATTAACCGGCTGGAGAAGCACTATCTGGATATCAACAC[G>A]GTGCTGGAGAAATGGCAGAAGAGCATCGTGGAGGAGCTCTGTGCGTGGGTGGAGAAGTTC-3'
Protein context (NP_001243000.2, residues 3168-3188): RLEKHYLDIN[Thr3178=]VLEKWQKSIV

ClinVar aggregate classification (germline): Likely benign. Review status: criteria provided, multiple submitters, no conflicts (2 of 4 stars). 3 submissions from 3 submitters: Likely benign (2). 1 of the submissions does not count toward it. Last evaluated 2025-03-09.

Conditions:
RNF213-related disorder. Also called: RNF213-related condition.

Allele frequency attached by ClinVar (database versions not stated): gnomAD exomes 0.00020 and 0.00030; TOPMed 0.00020; ExAC 0.00022; ESP Exome Variant Server 0.00023; gnomAD 0.00025 and 0.00026; 1000 Genomes Project 30x 0.00031; 1000 Genomes Project 0.00040.
gnomAD v4.1: 477 of 1,614,238 alleles (0.03%); highest among the groups gnomAD compares: Non-Finnish European, 0.038%; no homozygotes.

Submissions (3):

Labcorp Genetics (formerly Invitae), Labcorp
Classification: Likely benign. Last evaluated: 2025-03-09. Review status: criteria provided, single submitter. Criteria: Invitae Variant Classification Sherloc (09022015). Collection method: clinical testing. Allele origin: germline.

Blueprint Genetics
Classification: Likely benign. Last evaluated: 2024-06-14. Review status: criteria provided, single submitter. Criteria: ACMG Guidelines, 2015. Collection method: clinical testing. Allele origin: germline.

PreventionGenetics, part of Exact Sciences
Classification: Likely benign for RNF213-related condition. Last evaluated: 2021-02-08. Review status: no assertion criteria provided. Collection method: clinical testing. Allele origin: germline. Not counted in ClinVar's aggregate classification.
Comment: This variant is classified as likely benign based on ACMG/AMP sequence variant interpretation guidelines (Richards et al. 2015 PMID: 25741868, with internal and published modifications).